The following is an entry in ClinVar:

ClinVar aggregate classification (germline): Uncertain significance. Review status: criteria provided, multiple submitters, no conflicts (2 of 4 stars). 2 submissions from 2 submitters: Uncertain significance (2). Last evaluated 2025-02-06.

Conditions:
Dilated cardiomyopathy 1DD (CMD1DD). Identifiers: Orphanet 154, MedGen C2750995, MONDO:0013168, OMIM 613172.
Cardiovascular phenotype. Identifiers: MedGen CN230736.

gnomAD v4.1: 8 of 1,519,054 alleles (0.00053%); highest among the groups gnomAD compares: African/African-American, 0.0014%; no homozygotes.

Submissions (2):

Labcorp Genetics (formerly Invitae), Labcorp
Classification: Uncertain significance for Dilated cardiomyopathy 1DD. Last evaluated: 2025-02-06. Review status: criteria provided, single submitter. Criteria: Invitae Variant Classification Sherloc (09022015). Collection method: clinical testing. Allele origin: germline.
Comment: This sequence change replaces proline, which is neutral and non-polar, with leucine, which is neutral and non-polar, at codon 53 of the RBM20 protein (p.Pro53Leu). This variant is not present in population databases (gnomAD no frequency). This variant has not been reported in the literature in individuals affected with RBM20-related conditions. ClinVar contains an entry for this variant (Variation ID: 3313239). Invitae Evidence Modeling of protein sequence and biophysical properties (such as structural, functional, and spatial information, amino acid conservation, physicochemical variation, residue mobility, and thermodynamic stability) indicates that this missense variant is not expected to disrupt RBM20 protein function with a negative predictive value of 95%. In summary, the available evidence is currently insufficient to determine the role of this variant in disease. Therefore, it has been classified as a Variant of Uncertain Significance.

Ambry Genetics
Classification: Uncertain significance for Cardiovascular phenotype. Last evaluated: 2024-06-22. Review status: criteria provided, single submitter. Criteria: Ambry Variant Classification Scheme 2023. Collection method: clinical testing. Allele origin: germline.
Comment: The p.P53L variant (also known as c.158C>T), located in coding exon 1 of the RBM20 gene, results from a C to T substitution at nucleotide position 158. The proline at codon 53 is replaced by leucine, an amino acid with similar properties. This amino acid position is conserved. In addition, this alteration is predicted to be tolerated by in silico analysis. Based on the available evidence, the clinical significance of this variant remains unclear.

NM_001134363.3(RBM20):c.158C>T (p.Pro53Leu)

Gene: RBM20 (RNA binding motif protein 20; plus strand). Cytogenetic location: 10q25.2.
Variant type: single nucleotide variant.
Coding change: c.158C>T on transcript NM_001134363.3 (MANE Select); coding-DNA position 158, C replaced by T.
Protein change: p.Pro53Leu; replaces proline 53 with leucine.
Molecular consequence: missense variant.
Genome position (GRCh38, 1-based): chr10:110,644,612, C>T. VCF-style: chr10-110644612-C-T. GRCh37 (hg19) VCF-style: chr10-112404370-C-T.
Other names: short protein forms P53L.
Identifiers: ClinVar variation 3313239 (VCV003313239.2).